The following is an entry in ClinVar:

NM_000088.4(COL1A1):c.3136G>T (p.Gly1046Cys)

Gene: COL1A1 (collagen type I alpha 1 chain; minus strand). Cytogenetic location: 17q21.33.
Variant type: single nucleotide variant.
Coding change: c.3136G>T on transcript NM_000088.4 (MANE Select); coding-DNA position 3136, G replaced by T.
Protein change: p.Gly1046Cys; replaces glycine 1046 with cysteine.
Molecular consequence: missense variant.
Genome position (GRCh38, 1-based): chr17:50,188,601, C>A on the plus strand (G>T on the coding strand, the complement: COL1A1 is on the minus strand). VCF-style: chr17-50188601-C-A. GRCh37 (hg19) VCF-style: chr17-48265962-C-A.
Other names: short protein forms G1046C.
Identifiers: ClinVar variation 3722863 (VCV003722863.3).
Genomic context (GRCh38, chr17:50,188,601, plus strand): 5'-GATCACCACTCTTGCCAGCAGGGCCAACGGGGCCAGGGGCACCAGGAGCACCAGGAGCAC[C>A]AGGGGGTCCAGCGGGGCCGGTCTCACCACGGTCACCCTGGCGGGGAGAGCAGGGGAATAT-3'
Protein context (NP_000079.2, residues 1036-1056): RGETGPAGPP[Gly1046Cys]APGAPGAPGP

ClinVar aggregate classification (germline): Pathogenic. Review status: criteria provided, multiple submitters, no conflicts (2 of 4 stars). 2 submissions from 2 submitters: Pathogenic (2). Last evaluated 2025-06-18.

Conditions:
Osteogenesis imperfecta with normal sclerae, dominant form (OI4). Also called: OSTEOGENESIS IMPERFECTA WITH NORMAL SCLERAE; Osteogenesis imperfecta type 4; OSTEOGENESIS IMPERFECTA, TYPE IV, WITH DENTINOGENESIS IMPERFECTA; Osteogenesis Imperfecta Type IV; Common Variable Osteogenesis Imperfecta with Normal Sclerae. Identifiers: Orphanet 216820, Orphanet 666, MedGen C0268363, MONDO:0008148, OMIM 166220.
Osteogenesis imperfecta type I (OI1). Also called: OI, TYPE I; OSTEOGENESIS IMPERFECTA TARDA; OSTEOGENESIS IMPERFECTA WITH BLUE SCLERAE; Osteogenesis imperfecta type 1; Lobstein's Disease; Lobstein disease. Identifiers: Orphanet 216796, Orphanet 666, MedGen C0023931, MONDO:0008146, OMIM 166200. Disease mechanism: loss of function.

Submissions (2):

Clinical Biomedical Laboratory, Shriners Hospital For Children - Canada
Classification: Pathogenic for Osteogenesis imperfecta with normal sclerae, dominant form. Last evaluated: 2025-06-18. Review status: criteria provided, single submitter. Criteria: ACMG Guidelines, 2015. Collection method: clinical testing. Allele origin: germline. Affected: yes.
Comment: This variant is predicted to substitute a glycine residue by a cysteine residue in the triple helical domain of the collagen type I alpha 1 chain. Glycine substitutions in the triple helical domain of collagen type I cause disruption in the formation of the triple helix in the collagen molecule and are a typical cause of osteogenesis imperfecta. In the Genome Aggregation Database (gnomAD v2.1.1) this variant is not present. Computational tools (Revel 0.96) suggest that the amino acid change is damaging to protein function. The variant has been reported as a cause of osteogenesis imperfecta in the literature (PMID 27509835).

Labcorp Genetics (formerly Invitae), Labcorp
Classification: Pathogenic for Osteogenesis imperfecta type I. Last evaluated: 2024-05-10. Review status: criteria provided, single submitter. Criteria: Invitae Variant Classification Sherloc (09022015). Collection method: clinical testing. Allele origin: germline.
Comment: This sequence change replaces glycine, which is neutral and non-polar, with cysteine, which is neutral and slightly polar, at codon 1046 of the COL1A1 protein (p.Gly1046Cys). This variant is not present in population databases (gnomAD no frequency). This missense change has been observed in individual(s) with osteogenesis imperfecta (PMID: 27509835). Advanced modeling of protein sequence and biophysical properties (such as structural, functional, and spatial information, amino acid conservation, physicochemical variation, residue mobility, and thermodynamic stability) performed at Invitae indicates that this missense variant is expected to disrupt COL1A1 protein function with a positive predictive value of 95%. This variant disrupts the triple helix domain of COL1A1. Glycine residues within the Gly-Xaa-Yaa repeats of the triple helix domain are required for the structure and stability of fibrillar collagens (PMID: 7695699, 8218237, 19344236). In COL1A1, variants affecting these glycine residues are significantly enriched in individuals with disease (PMID: 9016532, 17078022) compared to the general population (ExAC). For these reasons, this variant has been classified as Pathogenic.

Literature cited by the submitters: PubMed 27509835 (cited by Clinical Biomedical Laboratory, Shriners Hospital For Children - Canada and Labcorp Genetics (formerly Invitae), Labcorp); PubMed 7695699 (cited by Labcorp Genetics (formerly Invitae), Labcorp); PubMed 8218237 (cited by Labcorp Genetics (formerly Invitae), Labcorp); PubMed 19344236 (cited by Labcorp Genetics (formerly Invitae), Labcorp); PubMed 9016532 (cited by Labcorp Genetics (formerly Invitae), Labcorp); PubMed 17078022 (cited by Labcorp Genetics (formerly Invitae), Labcorp).